The following is an entry in ClinVar:

ClinVar aggregate classification (germline): Uncertain significance (1 of 4 stars; one submission).

Submission:

Women's Health and Genetics/Laboratory Corporation of America, LabCorp
Classification: Uncertain significance. Last evaluated: 2026-05-29. Review status: criteria provided, single submitter. Criteria: LabCorp Variant Classification Summary - May 2015. Collection method: clinical testing. Allele origin: germline.
Comment: Variant summary: ALPL c.1421T>C (p.Val474Ala) results in a non-conservative amino acid change in the encoded protein sequence. Algorithms developed to predict the effect of missense changes on protein structure and function all suggest that this variant is likely to be disruptive. The variant was absent in 244732 control chromosomes. The available data on variant occurrences in the general population are insufficient to allow any conclusion about variant significance. To our knowledge, no occurrence of c.1421T>C in individuals affected with ALPL-related conditions and no experimental evidence demonstrating its impact on protein function have been reported. No submitters have cited clinical-significance assessments for this variant to ClinVar. Based on the evidence outlined above, the variant was classified as uncertain significance.

NM_000478.6(ALPL):c.1421T>C (p.Val474Ala)

Gene: ALPL (alkaline phosphatase, biomineralization associated; plus strand). Cytogenetic location: 1p36.12.
Variant type: single nucleotide variant.
Coding change: c.1421T>C on transcript NM_000478.6 (MANE Select); coding-DNA position 1421, T replaced by C.
Protein change: p.Val474Ala; replaces valine 474 with alanine.
Molecular consequence: missense variant.
Genome position (GRCh38, 1-based): chr1:21,577,494, T>C. VCF-style: chr1-21577494-T-C. GRCh37 (hg19) VCF-style: chr1-21903987-T-C.
Other names: c.1256T>C, p.Val419Ala (NM_001127501.4); c.1190T>C, p.Val397Ala (NM_001177520.3); c.1421T>C, p.Val474Ala (NM_001369803.2, NM_001369804.2, NM_001369805.2); short protein forms V397A, V419A, V474A.
Identifiers: ClinVar variation 4853113 (VCV004853113.1).
Genomic context (GRCh38, chr1:21,577,494, plus strand): 5'-ACGGCGGGGAGGACGTGGCCGTCTTCTCCAAGGGCCCCATGGCGCACCTGCTGCACGGCG[T>C]CCACGAGCAGAACTACGTCCCCCACGTGATGGCGTATGCAGCCTGCATCGGGGCCAACCT-3'
Protein context (NP_000469.3, residues 464-484): KGPMAHLLHG[Val474Ala]HEQNYVPHVM